The following is an entry in ClinVar:

NM_003970.4(MYOM2):c.590C>T (p.Ala197Val)

Gene: MYOM2 (myomesin 2; plus strand). Cytogenetic location: 8p23.3.
Variant type: single nucleotide variant.
Coding change: c.590C>T on transcript NM_003970.4 (MANE Select); coding-DNA position 590, C replaced by T.
Protein change: p.Ala197Val; replaces alanine 197 with valine.
Molecular consequence: missense variant.
Genome position (GRCh38, 1-based): chr8:2,059,182, C>T. VCF-style: chr8-2059182-C-T. GRCh37 (hg19) VCF-style: chr8-2007303-C-T.
Other names: NC_000008.10:g.2007303C>T; short protein forms A197V.
Identifiers: ClinVar variation 3038323 (VCV003038323.7), dbSNP rs10105064, ClinGen allele CA170442722.

ClinVar aggregate classification (germline): Likely benign. Review status: criteria provided, single submitter (1 of 4 stars). 2 submissions from 2 submitters: Likely benign (1). 1 of the submissions does not count toward it. Last evaluated 2026-01-01.

Conditions:
MYOM2-related disorder. Also called: MYOM2-related condition.

Allele frequency attached by ClinVar (database versions not stated): 1000 Genomes Project 30x 0.00047; 1000 Genomes Project 0.00060; ESP Exome Variant Server 0.00108; gnomAD exomes 0.00123; gnomAD 0.00126; ExAC 0.00149.
gnomAD v4.1: 1,977 of 1,614,108 alleles (0.12%); highest among the groups gnomAD compares: Non-Finnish European, 0.11%; 9 homozygotes.

Submissions (4):

CeGaT Center for Human Genetics Tuebingen
Classification: Likely benign. Last evaluated: 2026-01-01. Review status: criteria provided, single submitter. Criteria: CeGaT Center For Human Genetics Tuebingen Variant Classification Criteria Version 2. Collection method: clinical testing. Allele origin: germline. Affected: yes. Observed: 1 variant allele.
Comment: MYOM2: BS2

PreventionGenetics, part of Exact Sciences
Classification: Benign for MYOM2-related condition. Last evaluated: 2019-06-25. Review status: no assertion criteria provided. Collection method: clinical testing. Allele origin: germline. Not counted in ClinVar's aggregate classification.
Comment: This variant is classified as benign based on ACMG/AMP sequence variant interpretation guidelines (Richards et al. 2015 PMID: 25741868, with internal and published modifications).

Dr. Peter K. Rogan Lab, Western University
No classification provided (evidence only). Condition: Clear cell carcinoma of kidney. Review status: no classification provided. Collection method: in vitro. Allele origin: not applicable. Functional consequence: retained intron. Not counted in ClinVar's aggregate classification.

Dr. Peter K. Rogan Lab, Western University
No classification provided (evidence only). Condition: Malignant tumor of esophagus. Review status: no classification provided. Collection method: in vitro. Allele origin: not applicable. Functional consequence: retained intron. Not counted in ClinVar's aggregate classification.